The following is an entry in ClinVar:

ClinVar aggregate classification (germline): Uncertain significance (1 of 4 stars; one submission).

Allele frequency attached by ClinVar (database versions not stated): gnomAD exomes below 0.00001.
gnomAD v4.1: 5 of 1,602,664 alleles (0.00031%); highest among the groups gnomAD compares: Non-Finnish European, 0.00043%; no homozygotes.

Submission:

Labcorp Genetics (formerly Invitae), Labcorp
Classification: Uncertain significance. Last evaluated: 2021-08-16. Review status: criteria provided, single submitter. Criteria: Invitae Variant Classification Sherloc (09022015). Collection method: clinical testing. Allele origin: germline.
Comment: This sequence change replaces cysteine with tyrosine at codon 557 of the IFT81 protein (p.Cys557Tyr). The cysteine residue is highly conserved and there is a large physicochemical difference between cysteine and tyrosine. This variant is not present in population databases (ExAC no frequency). This variant has not been reported in the literature in individuals affected with IFT81-related conditions. Algorithms developed to predict the effect of missense changes on protein structure and function are either unavailable or do not agree on the potential impact of this missense change (SIFT: "Deleterious"; PolyPhen-2: "Probably Damaging"; Align-GVGD: "Class C0"). In summary, the available evidence is currently insufficient to determine the role of this variant in disease. Therefore, it has been classified as a Variant of Uncertain Significance.

NM_014055.4(IFT81):c.1670G>A (p.Cys557Tyr)

Gene: IFT81 (intraflagellar transport 81; plus strand). Cytogenetic location: 12q24.11.
Variant type: single nucleotide variant.
Coding change: c.1670G>A on transcript NM_014055.4 (MANE Select); coding-DNA position 1670, G replaced by A.
Protein change: p.Cys557Tyr; replaces cysteine 557 with tyrosine.
Molecular consequence: missense variant. On other transcripts: non-coding transcript variant (4).
Genome position (GRCh38, 1-based): chr12:110,205,468, G>A. VCF-style: chr12-110205468-G-A. GRCh37 (hg19) VCF-style: chr12-110643273-G-A.
Other names: c.1670G>A, p.Cys557Tyr (NM_001143779.2); c.740G>A, p.Cys247Tyr (NM_001347947.2, NM_001347948.2); short protein forms C247Y, C557Y.
Identifiers: ClinVar variation 1429681 (VCV001429681.3), dbSNP rs2137588025, ClinGen allele CA386908994.